The following is an entry in ClinVar:

ClinVar aggregate classification (germline): Benign/Likely benign. Review status: criteria provided, multiple submitters, no conflicts (2 of 4 stars). 3 submissions from 3 submitters: Benign (1); Likely benign (2). Last evaluated 2026-04-15.

Conditions:
Hereditary cancer-predisposing syndrome. Also called: Neoplastic Syndromes, Hereditary; Tumor predisposition; Hereditary Cancer Syndrome; Hereditary neoplastic syndrome. Identifiers: Orphanet 140162, MedGen C0027672, MeSH D009386, MONDO:0015356.
DICER1-related tumor predisposition. Also called: DICER1 syndrome; DICER1-related pleuropulmonary blastoma cancer predisposition syndrome. Identifiers: Orphanet 284343, MedGen C3839822, MONDO:0100216.

Allele frequency attached by ClinVar (database versions not stated): TOPMed 0.00001; gnomAD 0.00001.
gnomAD v4.1: 1 of 1,613,574 alleles (0.000062%); highest among the groups gnomAD compares: African/African-American, 0.0013%; no homozygotes.

Submissions (3):

Myriad Genetics, Inc.
Classification: Benign for DICER1-related tumor predisposition. Last evaluated: 2026-04-15. Review status: criteria provided, single submitter. Criteria: Myriad Autosomal Dominant, Autosomal Recessive and X-Linked Classification Criteria (2023). Collection method: clinical testing. Allele origin: unknown.
Comment: This variant is considered benign. This variant is a silent/synonymous amino acid change and it is not expected to impact splicing.

Labcorp Genetics (formerly Invitae), Labcorp
Classification: Likely benign for DICER1-related tumor predisposition. Last evaluated: 2023-01-16. Review status: criteria provided, single submitter. Criteria: Invitae Variant Classification Sherloc (09022015). Collection method: clinical testing. Allele origin: germline.

Ambry Genetics
Classification: Likely benign for Hereditary cancer-predisposing syndrome. Last evaluated: 2020-04-07. Review status: criteria provided, single submitter. Criteria: Ambry Variant Classification Scheme 2023. Collection method: clinical testing. Allele origin: germline.

NM_177438.3(DICER1):c.1630C>A (p.Arg544=)

Gene: DICER1 (dicer 1, ribonuclease III; minus strand). Cytogenetic location: 14q32.13.
Variant type: single nucleotide variant.
Coding change: c.1630C>A on transcript NM_177438.3 (MANE Select); coding-DNA position 1630, C replaced by A.
Protein change: p.Arg544=; no amino-acid change (arginine 544 retained).
Molecular consequence: synonymous variant.
Genome position (GRCh38, 1-based): chr14:95,116,575, G>T on the plus strand (C>A on the coding strand, the complement: DICER1 is on the minus strand). VCF-style: chr14-95116575-G-T. GRCh37 (hg19) VCF-style: chr14-95582912-G-T.
Other names: c.1630C>A, p.Arg544= (NM_001195573.1, NM_001271282.3, NM_001291628.2 and 1 more transcripts).
Identifiers: ClinVar variation 1112910 (VCV001112910.13), dbSNP rs137852979, ClinGen allele CA487845186.